The following is an entry in ClinVar:

ClinVar aggregate classification (germline): Conflicting classifications of pathogenicity. Review status: criteria provided, conflicting classifications (1 of 4 stars). 5 submissions from 5 submitters: Uncertain significance (1); Benign (1); Likely benign (3). Last evaluated 2026-02-03.

Conditions:
Ataxia-telangiectasia syndrome (AT). Also called: Ataxia-telangiectasia, complementation group D; Ataxia-telangiectasia, complementation group E; LOUIS-BAR SYNDROME; AT, COMPLEMENTATION GROUP C; ATAXIA-TELANGIECTASIA, COMPLEMENTATION GROUP A; ATAXIA-TELANGIECTASIA, FRESNO VARIANT. Identifiers: Orphanet 100, MedGen C0004135, MONDO:0008840, OMIM 208900.
Familial cancer of breast. Also called: hereditary breast carcinoma; Hereditary breast cancer; BREAST CANCER, FAMILIAL. Identifiers: Orphanet 227535, MedGen C0346153, MONDO:0016419, OMIM 114480. Disease mechanism: loss of function.
Hereditary cancer-predisposing syndrome. Also called: Neoplastic Syndromes, Hereditary; Hereditary neoplastic syndrome; Hereditary Cancer Syndrome; Tumor predisposition. Identifiers: Orphanet 140162, MedGen C0027672, MeSH D009386, MONDO:0015356.

Allele frequency attached by ClinVar (database versions not stated): TOPMed 0.00001; gnomAD 0.00001; gnomAD exomes 0.00003.
gnomAD v4.1: 48 of 1,613,968 alleles (0.003%); highest among the groups gnomAD compares: Non-Finnish European, 0.004%; no homozygotes.

Submissions (5):

Labcorp Genetics (formerly Invitae), Labcorp
Classification: Likely benign for Ataxia-telangiectasia syndrome. Last evaluated: 2026-02-03. Review status: criteria provided, single submitter. Criteria: Invitae Variant Classification Sherloc (09022015). Collection method: clinical testing. Allele origin: germline.

Myriad Genetics, Inc.
Classification: Benign for Familial cancer of breast. Last evaluated: 2024-06-13. Review status: criteria provided, single submitter. Criteria: Myriad Autosomal Dominant, Autosomal Recessive and X-Linked Classification Criteria (2023). Collection method: clinical testing. Allele origin: unknown.
Comment: This variant is considered benign. This variant is a silent/synonymous amino acid change and it is not expected to impact splicing.

GeneDx
Classification: Uncertain significance. Last evaluated: 2024-03-01. Review status: criteria provided, single submitter. Criteria: GeneDx Variant Classification Process June 2021. Collection method: clinical testing. Allele origin: germline. Affected: yes.
Comment: Not observed at significant frequency in large population cohorts (gnomAD); In silico analysis supports a deleterious effect on splicing; Observed in an individual with breast cancer, as well as in controls (PMID: 28779002); This variant is associated with the following publications: (PMID: 28779002)

Color Diagnostics, LLC DBA Color Health
Classification: Likely benign for Hereditary cancer-predisposing syndrome. Last evaluated: 2016-04-27. Review status: criteria provided, single submitter. Criteria: ACMG Guidelines, 2015. Collection method: clinical testing. Allele origin: germline.

Ambry Genetics
Classification: Likely benign for Hereditary cancer-predisposing syndrome. Last evaluated: 2015-03-19. Review status: criteria provided, single submitter. Criteria: Ambry Variant Classification Scheme 2023. Collection method: clinical testing. Allele origin: germline.

NM_000051.4(ATM):c.7314A>C (p.Thr2438=)

Genes: C11orf65 (chromosome 11 open reading frame 65; minus strand), ATM (ATM serine/threonine kinase; plus strand). Cytogenetic location: 11q22.3.
Variant type: single nucleotide variant.
Coding change: c.7314A>C on transcript NM_000051.4 (MANE Select); coding-DNA position 7314, A replaced by C.
Protein change: p.Thr2438=; no amino-acid change (threonine 2438 retained).
Molecular consequence: synonymous variant. On other transcripts: intron variant (2).
Genome position (GRCh38, 1-based): chr11:108,330,220, A>C. VCF-style: chr11-108330220-A-C. GRCh37 (hg19) VCF-style: chr11-108200947-A-C.
Other names: c.7314A>C, p.Thr2438= (NM_001351834.2); c.641-21149T>G (NM_001330368.2); c.*38+5000T>G (NM_001351110.2).
Identifiers: ClinVar variation 380111 (VCV000380111.23), dbSNP rs199909913, ClinGen allele CA6266096.